The following is an entry in ClinVar:

NM_015080.4(NRXN2):c.2253G>A (p.Thr751=)

Genes: NRXN2 (neurexin 2; minus strand), LOC126861232 (P300/CBP strongly-dependent group 1 enhancer GRCh37_chr11:64426961-64428160; plus strand). Cytogenetic location: 11q13.1.
Variant type: single nucleotide variant.
Coding change: c.2253G>A on transcript NM_015080.4 (MANE Select); coding-DNA position 2253, G replaced by A.
Protein change: p.Thr751=; no amino-acid change (threonine 751 retained).
Molecular consequence: synonymous variant.
Genome position (GRCh38, 1-based): chr11:64,660,468, C>T on the plus strand (G>A on the coding strand, the complement: NRXN2 is on the minus strand). VCF-style: chr11-64660468-C-T. GRCh37 (hg19) VCF-style: chr11-64427940-C-T.
Other names: c.2253G>A, p.Thr751= (NM_001376262.1); c.2232G>A, p.Thr744= (NM_001376263.1, NM_001376267.1); c.2208G>A, p.Thr736= (NM_001376265.1); c.2229G>A, p.Thr743= (NM_001376266.1); c.2160G>A, p.Thr720= (NM_138732.3).
Identifiers: ClinVar variation 3036999 (VCV003036999.2), dbSNP rs770778054, ClinGen allele CA6078247.

ClinVar aggregate classification (germline): Likely benign (0 of 4 stars; one submission).

Conditions:
NRXN2-related disorder. Also called: NRXN2-related condition.

Allele frequency attached by ClinVar (database versions not stated): gnomAD 0.00001; ExAC 0.00002; gnomAD exomes 0.00002; TOPMed 0.00003.
gnomAD v4.1: 30 of 1,614,040 alleles (0.0019%); highest among the groups gnomAD compares: African/African-American, 0.004%; no homozygotes.

Submission:

PreventionGenetics, part of Exact Sciences
Classification: Likely benign for NRXN2-related condition. Last evaluated: 2023-12-15. Review status: no assertion criteria provided. Collection method: clinical testing. Allele origin: germline.
Comment: This variant is classified as likely benign based on ACMG/AMP sequence variant interpretation guidelines (Richards et al. 2015 PMID: 25741868, with internal and published modifications).